The following is an entry in ClinVar:

ClinVar aggregate classification (germline): Uncertain significance (1 of 4 stars; one submission).

Conditions:
Myofibrillar myopathy 5. Also called: FILAMINOPATHY, AUTOSOMAL DOMINANT; Filaminopathy (type). Identifiers: Orphanet 171445, MedGen C1836050, MONDO:0012289, OMIM 609524.
Hypertrophic cardiomyopathy 26. Also called: Cardiomyopathy, familial hypertrophic, 26. Identifiers: Orphanet 75249, MedGen C4310749, MONDO:0014883, OMIM 617047.
Distal myopathy with posterior leg and anterior hand involvement. Also called: WILLIAMS DISTAL MYOPATHY. Identifiers: Orphanet 63273, MedGen C3279722, MONDO:0013550, OMIM 614065.

Allele frequency attached by ClinVar (database versions not stated): gnomAD exomes 0.00001.
gnomAD v4.1: 4 of 1,614,130 alleles (0.00025%); highest among the groups gnomAD compares: South Asian, 0.0044%; no homozygotes.

Submission:

Labcorp Genetics (formerly Invitae), Labcorp
Classification: Uncertain significance for Distal myopathy with posterior leg and anterior hand involvement; Myofibrillar myopathy 5; Hypertrophic cardiomyopathy 26. Last evaluated: 2022-09-23. Review status: criteria provided, single submitter. Criteria: Invitae Variant Classification Sherloc (09022015). Collection method: clinical testing. Allele origin: germline.
Comment: This sequence change replaces threonine, which is neutral and polar, with alanine, which is neutral and non-polar, at codon 945 of the FLNC protein (p.Thr945Ala). This variant is present in population databases (no rsID available, gnomAD 0.003%). This variant has not been reported in the literature in individuals affected with FLNC-related conditions. In summary, the available evidence is currently insufficient to determine the role of this variant in disease. Therefore, it has been classified as a Variant of Uncertain Significance. Advanced modeling of protein sequence and biophysical properties (such as structural, functional, and spatial information, amino acid conservation, physicochemical variation, residue mobility, and thermodynamic stability) has been performed at Invitae for this missense variant, however the output from this modeling did not meet the statistical confidence thresholds required to predict the impact of this variant on FLNC protein function.

NM_001458.5(FLNC):c.2833A>G (p.Thr945Ala)

Gene: FLNC (filamin C; plus strand). Cytogenetic location: 7q32.1.
Variant type: single nucleotide variant.
Coding change: c.2833A>G on transcript NM_001458.5 (MANE Select); coding-DNA position 2833, A replaced by G.
Protein change: p.Thr945Ala; replaces threonine 945 with alanine.
Molecular consequence: missense variant.
Genome position (GRCh38, 1-based): chr7:128,843,817, A>G. VCF-style: chr7-128843817-A-G. GRCh37 (hg19) VCF-style: chr7-128483871-A-G.
Other names: c.2833A>G, p.Thr945Ala (NM_001127487.2); short protein forms T945A.
Identifiers: ClinVar variation 2169201 (VCV002169201.4), dbSNP rs1294281193, ClinGen allele CA369193389.
Genomic context (GRCh38, chr7:128,843,817, plus strand): 5'-GCCTTATATCCAGTTCTGACCTACCATTGTACCCAACAGGGCAACATGGCAGTGACAGTG[A>G]CTTATGGCGGGGACCCTGTCCCCAAGAGCCCCTTTGTGGTGAATGTGGCACCCCCGCTGG-3'
Protein context (NP_001449.3, residues 935-955): VQQGNMAVTV[Thr945Ala]YGGDPVPKSP